The following is an entry in ClinVar:

NM_001375808.2(LPIN2):c.1669C>T (p.Arg557Cys)

Gene: LPIN2 (lipin 2; minus strand). Cytogenetic location: 18p11.31.
Variant type: single nucleotide variant.
Coding change: c.1669C>T on transcript NM_001375808.2 (MANE Select); coding-DNA position 1669, C replaced by T.
Protein change: p.Arg557Cys; replaces arginine 557 with cysteine.
Molecular consequence: missense variant.
Genome position (GRCh38, 1-based): chr18:2,927,763, G>A on the plus strand (C>T on the coding strand, the complement: LPIN2 is on the minus strand). VCF-style: chr18-2927763-G-A. GRCh37 (hg19) VCF-style: chr18-2927761-G-A.
Other names: c.1669C>T, p.Arg557Cys (NM_001375809.1, NM_014646.2); short protein forms R557C.
Identifiers: ClinVar variation 1952724 (VCV001952724.6), dbSNP rs1159911876, ClinGen allele CA401703613.

ClinVar aggregate classification (germline): Uncertain significance. Review status: criteria provided, multiple submitters, no conflicts (2 of 4 stars). 2 submissions from 2 submitters: Uncertain significance (2). Last evaluated 2024-05-08.

Conditions:
Majeed syndrome (MJDS). Also called: CHRONIC RECURRENT MULTIFOCAL OSTEOMYELITIS 1, WITH CONGENITAL DYSERYTHROPOIETIC ANEMIA, WITH OR WITHOUT NEUTROPHILIC DERMATOSIS; LPIN2-Related Majeed Syndrome. Identifiers: Orphanet 77297, MedGen C1864997, MONDO:0012316, OMIM 609628.

Allele frequency attached by ClinVar (database versions not stated): TOPMed below 0.00001; gnomAD exomes 0.00001.
gnomAD v4.1: 9 of 1,614,110 alleles (0.00056%); highest among the groups gnomAD compares: Admixed American, 0.0017%; no homozygotes.

Submissions (2):

ARUP Laboratories, Molecular Genetics and Genomics, ARUP Laboratories
Classification: Uncertain significance for Majeed syndrome. Last evaluated: 2024-05-08. Review status: criteria provided, single submitter. Criteria: ARUP Molecular Germline Variant Investigation Process 2024. Collection method: clinical testing. Allele origin: germline.
Comment: The LPIN2 c.1669C>T; p.Arg557Cys variant (rs1159911876), to our knowledge, is not reported in the medical literature but is reported in ClinVar (Variation ID: 1952724). This variant is only observed on two alleles in the Genome Aggregation Database (v2.1.1), indicating it is not a common polymorphism. Computational analyses predict that this variant is deleterious (REVEL: 0.748). However, given the lack of clinical and functional data, the significance of this variant is uncertain at this time.

Labcorp Genetics (formerly Invitae), Labcorp
Classification: Uncertain significance for Majeed syndrome. Last evaluated: 2022-07-06. Review status: criteria provided, single submitter. Criteria: Invitae Variant Classification Sherloc (09022015). Collection method: clinical testing. Allele origin: germline.
Comment: This sequence change replaces arginine, which is basic and polar, with cysteine, which is neutral and slightly polar, at codon 557 of the LPIN2 protein (p.Arg557Cys). This variant is present in population databases (no rsID available, gnomAD 0.002%). This variant has not been reported in the literature in individuals affected with LPIN2-related conditions. Algorithms developed to predict the effect of missense changes on protein structure and function are either unavailable or do not agree on the potential impact of this missense change (SIFT: "Deleterious"; PolyPhen-2: "Probably Damaging"; Align-GVGD: "Class C0"). In summary, the available evidence is currently insufficient to determine the role of this variant in disease. Therefore, it has been classified as a Variant of Uncertain Significance.